The following is an entry in ClinVar:

NM_018163.3(DNAJC17):c.381+6C>T

Gene: DNAJC17 (DnaJ heat shock protein family (Hsp40) member C17; minus strand). Cytogenetic location: 15q15.1.
Variant type: single nucleotide variant.
Coding change: c.381+6C>T on transcript NM_018163.3 (MANE Select); 6 bases into the intron after coding-DNA position 381, C replaced by T.
Molecular consequence: intron variant.
Genome position (GRCh38, 1-based): chr15:40,776,536, G>A on the plus strand (C>T on the coding strand, the complement: DNAJC17 is on the minus strand). VCF-style: chr15-40776536-G-A. GRCh37 (hg19) VCF-style: chr15-41068734-G-A.
Identifiers: ClinVar variation 3677020 (VCV003677020.2).

ClinVar aggregate classification (germline): Uncertain significance (1 of 4 stars; one submission).

Submission:

Labcorp Genetics (formerly Invitae), Labcorp
Classification: Uncertain significance. Last evaluated: 2024-09-30. Review status: criteria provided, single submitter. Criteria: Invitae Variant Classification Sherloc (09022015). Collection method: clinical testing. Allele origin: germline.
Comment: This sequence change falls in intron 5 of the DNAJC17 gene. It does not directly change the encoded amino acid sequence of the DNAJC17 protein. It affects a nucleotide within the consensus splice site. This variant is not present in population databases (gnomAD no frequency). This variant has not been reported in the literature in individuals affected with DNAJC17-related conditions. Variants that disrupt the consensus splice site are a relatively common cause of aberrant splicing (PMID: 17576681, 9536098). Algorithms developed to predict the effect of sequence changes on RNA splicing suggest that this variant is not likely to affect RNA splicing. In summary, the available evidence is currently insufficient to determine the role of this variant in disease. Therefore, it has been classified as a Variant of Uncertain Significance.

Literature cited by the submitters: PubMed 17576681; PubMed 9536098.